The following is an entry in ClinVar:

NM_005548.3(KARS1):c.426C>T (p.Leu142=)

Gene: KARS1 (lysyl-tRNA synthetase 1; minus strand). Cytogenetic location: 16q23.1.
Variant type: single nucleotide variant.
Coding change: c.426C>T on transcript NM_005548.3 (MANE Select); coding-DNA position 426, C replaced by T.
Protein change: p.Leu142=; no amino-acid change (leucine 142 retained).
Molecular consequence: synonymous variant. On other transcripts: 5 prime UTR variant (1).
Genome position (GRCh38, 1-based): chr16:75,636,510, G>A on the plus strand (C>T on the coding strand, the complement: KARS1 is on the minus strand). VCF-style: chr16-75636510-G-A. GRCh37 (hg19) VCF-style: chr16-75670408-G-A.
Other names: c.510C>T, p.Leu170= (NM_001130089.2); c.-43C>T (NM_001378148.1).
Identifiers: ClinVar variation 514417 (VCV000514417.15), dbSNP rs181866651, ClinGen allele CA8177626.

ClinVar aggregate classification (germline): Benign/Likely benign. Review status: criteria provided, multiple submitters, no conflicts (2 of 4 stars). 4 submissions from 4 submitters: Benign (2); Likely benign (1). 1 of the submissions does not count toward it. Last evaluated 2024-10-09.

Conditions:
KARS1-related disorder. Also called: KARS1-related disorders.

Allele frequency attached by ClinVar (database versions not stated): gnomAD 0.00014 and 0.00022; TOPMed 0.00019; ExAC 0.00045; gnomAD exomes 0.00049; 1000 Genomes Project 30x 0.00156; 1000 Genomes Project 0.00180.
gnomAD v4.1: 188 of 1,613,532 alleles (0.012%); highest among the groups gnomAD compares: East Asian, 0.32%; 1 homozygote.

Submissions (4):

Blueprint Genetics
Classification: Likely benign. Last evaluated: 2024-10-09. Review status: criteria provided, single submitter. Criteria: ACMG Guidelines, 2015. Collection method: clinical testing. Allele origin: germline.

Labcorp Genetics (formerly Invitae), Labcorp
Classification: Benign. Last evaluated: 2024-08-20. Review status: criteria provided, single submitter. Criteria: Invitae Variant Classification Sherloc (09022015). Collection method: clinical testing. Allele origin: germline.

GeneDx
Classification: Benign. Last evaluated: 2019-07-26. Review status: criteria provided, single submitter. Criteria: GeneDx Variant Classification Process June 2021. Collection method: clinical testing. Allele origin: germline. Affected: yes.

PreventionGenetics, part of Exact Sciences
Classification: Likely benign for KARS1-related condition. Last evaluated: 2023-12-29. Review status: no assertion criteria provided. Collection method: clinical testing. Allele origin: germline. Not counted in ClinVar's aggregate classification.
Comment: This variant is classified as likely benign based on ACMG/AMP sequence variant interpretation guidelines (Richards et al. 2015 PMID: 25741868, with internal and published modifications).